The following is an entry in ClinVar:

NM_001271.4(CHD2):c.5294del (p.Phe1765fs)

Gene: CHD2 (chromodomain helicase DNA binding protein 2; plus strand). Cytogenetic location: 15q26.1.
Variant type: Deletion.
Coding change: c.5294del on transcript NM_001271.4 (MANE Select); coding-DNA position 5294, one base deleted (T; older notation c.5294delT).
Protein change: p.Phe1765fs; shifts the reading frame from phenylalanine 1765.
Molecular consequence: frameshift variant.
Genome position (GRCh38, 1-based): chr15:93,024,512, T deleted; the last of 3 consecutive T bases (chr15:93,024,510-93,024,512); deleting any one gives the same sequence. VCF-style (leftmost placement, unchanged base first): chr15-93024509-CT-C. GRCh37 (hg19) VCF-style: chr15-93567739-CT-C.
Other names: short protein forms F1765fs.
Identifiers: ClinVar variation 2843714 (VCV002843714.3), dbSNP rs2505650824, ClinGen allele CA2739269798.
Genomic context (GRCh38, chr15:93,024,509, plus strand): 5'-TGTCTGATCACCGCCCCGCTATGGGCTACCATGGCCAGGGACCCTCAGACCATTACCGCT[CT>C]TTCCACACAGATAAACTGGGGGAATATAAACAGCCTCTACCCCCATTGCACCCTGCAGTC-3'

ClinVar aggregate classification (germline): Uncertain significance (1 of 4 stars; one submission).

Conditions:
Developmental and epileptic encephalopathy 94 (DEE94). Also called: CHD2-Related Neurodevelopmental Disorders; Epileptic encephalopathy, childhood-onset. Identifiers: Orphanet 1942, Orphanet 2382, MedGen C3809278, MONDO:0014150, OMIM 615369.

Submission:

Labcorp Genetics (formerly Invitae), Labcorp
Classification: Uncertain significance for Developmental and epileptic encephalopathy 94. Last evaluated: 2023-03-08. Review status: criteria provided, single submitter. Criteria: Invitae Variant Classification Sherloc (09022015). Collection method: clinical testing. Allele origin: germline.
Comment: In summary, the available evidence is currently insufficient to determine the role of this variant in disease. Therefore, it has been classified as a Variant of Uncertain Significance. Experimental studies and prediction algorithms are not available or were not evaluated, and the functional significance of this variant is currently unknown. This variant has not been reported in the literature in individuals affected with CHD2-related conditions. This variant is not present in population databases (gnomAD no frequency). This sequence change creates a premature translational stop signal (p.Phe1765Serfs*49) in the CHD2 gene. While this is not anticipated to result in nonsense mediated decay, it is expected to disrupt the last 64 amino acid(s) of the CHD2 protein.